The following is an entry in ClinVar:

NM_005222.4(DLX6):c.75GCA[9] (p.Gln44dup)

Genes: DLX6-AS1 (DLX6 antisense RNA 1; minus strand), DLX6 (distal-less homeobox 6; plus strand). Cytogenetic location: 7q21.3.
Variant type: Microsatellite.
Coding change: c.75GCA[9] on transcript NM_005222.4 (MANE Select); nine copies in a row of the 3-base unit GCA starting at c.75; the reference has eight copies in a row; one copy, 3 bases duplicated.
Protein change: p.Gln44dup; duplicates glutamine 44.
Molecular consequence: inframe insertion.
Genome position (GRCh38, 1-based): chr7:97,006,073-97,006,075, GCA duplicated; duplicating any 3 consecutive bases within chr7:97,006,052-97,006,075 gives the same sequence; the position shown is the placement nearest the transcript's 3' end. VCF-style (leftmost placement, unchanged base first): chr7-97006051-G-GGCA. GRCh37 (hg19) VCF-style: chr7-96635363-G-GGCA.
Other names: c.96_98dupGCA (NM_005222.3).
Identifiers: ClinVar variation 1476323 (VCV001476323.11), dbSNP rs530625473, ClinGen allele CA4353678.
Genomic context (GRCh38, chr7:97,006,051, plus strand): 5'-CTACGATGGCTGACGGCTTGGAAGGCCAGGACTCGTCCAAATCCGCCTTCATGGAGTTCG[G>GGCA]GCAGCAGCAGCAGCAGCAGCAGCAACAGCAGCAGCAGCAGCAGCAGCAACAGCAACAGCC-3'

ClinVar aggregate classification (germline): Uncertain significance. Review status: criteria provided, multiple submitters, no conflicts (2 of 4 stars). 3 submissions from 3 submitters: Uncertain significance (2). 1 of the submissions does not count toward it. Last evaluated 2025-11-16.

Conditions:
DLX6-related disorder. Also called: DLX6-related condition.

Submissions (3):

Labcorp Genetics (formerly Invitae), Labcorp
Classification: Uncertain significance. Last evaluated: 2025-11-16. Review status: criteria provided, single submitter. Criteria: Invitae Variant Classification Sherloc (09022015). Collection method: clinical testing. Allele origin: germline.
Comment: This variant, c.96_98dup, results in the insertion of 1 amino acid(s) of the DLX6 protein (p.Gln44dup), but otherwise preserves the integrity of the reading frame. The frequency data for this variant in the population databases is considered unreliable, as metrics indicate poor data quality at this position in the gnomAD database. This variant has not been reported in the literature in individuals affected with DLX6-related conditions. Experimental studies and prediction algorithms are not available or were not evaluated, and the functional significance of this variant is currently unknown. In summary, the available evidence is currently insufficient to determine the role of this variant in disease. Therefore, it has been classified as a Variant of Uncertain Significance.

Breakthrough Genomics
Classification: Uncertain significance. Review status: criteria provided, single submitter. Criteria: ACMG Guidelines, 2015. Collection method: not provided. Allele origin: germline. Inheritance: Autosomal recessive inheritance. Affected: yes.

PreventionGenetics, part of Exact Sciences
Classification: Likely benign for DLX6-related condition. Last evaluated: 2022-10-27. Review status: no assertion criteria provided. Collection method: clinical testing. Allele origin: germline. Not counted in ClinVar's aggregate classification.
Comment: This variant is classified as likely benign based on ACMG/AMP sequence variant interpretation guidelines (Richards et al. 2015 PMID: 25741868, with internal and published modifications).